The following is an entry in ClinVar:

NM_005027.4(PIK3R2):c.1003A>G (p.Ile335Val)

Gene: PIK3R2 (phosphoinositide-3-kinase regulatory subunit 2; plus strand). Cytogenetic location: 19p13.11.
Variant type: single nucleotide variant.
Coding change: c.1003A>G on transcript NM_005027.4 (MANE Select); coding-DNA position 1003, A replaced by G.
Protein change: p.Ile335Val; replaces isoleucine 335 with valine.
Molecular consequence: missense variant. On other transcripts: non-coding transcript variant (2).
Genome position (GRCh38, 1-based): chr19:18,162,303, A>G. VCF-style: chr19-18162303-A-G. GRCh37 (hg19) VCF-style: chr19-18273113-A-G.
Other names: c.1003A>G (NM_005027.2); short protein forms I335V.
Identifiers: ClinVar variation 2070125 (VCV002070125.6), dbSNP rs142808734, ClinGen allele CA9306886.

ClinVar aggregate classification (germline): Uncertain significance. Review status: criteria provided, multiple submitters, no conflicts (2 of 4 stars). 2 submissions from 2 submitters: Uncertain significance (2). Last evaluated 2023-02-13.

Conditions:
Inborn genetic diseases. Identifiers: MedGen C0950123, MeSH D030342.
Megalencephaly-polymicrogyria-postaxial polydactyly-hydrocephalus syndrome. Also called: MPPH Syndrome; MEG-PMG-MEGACC SYNDROME. Identifiers: Orphanet 83473, MedGen C1863924, MONDO:0019375.

Allele frequency attached by ClinVar (database versions not stated): ExAC 0.00004; ESP Exome Variant Server 0.00008; gnomAD 0.00008; TOPMed 0.00011; 1000 Genomes Project 30x 0.00016; 1000 Genomes Project 0.00020.
gnomAD v4.1: 28 of 1,605,784 alleles (0.0017%); highest among the groups gnomAD compares: African/African-American, 0.033%; no homozygotes.

Submissions (2):

Ambry Genetics
Classification: Uncertain significance for Inborn genetic diseases. Last evaluated: 2023-02-13. Review status: criteria provided, single submitter. Criteria: Ambry Variant Classification Scheme 2023. Collection method: clinical testing. Allele origin: germline.

Labcorp Genetics (formerly Invitae), Labcorp
Classification: Uncertain significance for Megalencephaly-polymicrogyria-postaxial polydactyly-hydrocephalus syndrome. Last evaluated: 2022-05-27. Review status: criteria provided, single submitter. Criteria: Invitae Variant Classification Sherloc (09022015). Collection method: clinical testing. Allele origin: germline.
Comment: This sequence change replaces isoleucine, which is neutral and non-polar, with valine, which is neutral and non-polar, at codon 335 of the PIK3R2 protein (p.Ile335Val). This variant is present in population databases (rs142808734, gnomAD 0.03%). This variant has not been reported in the literature in individuals affected with PIK3R2-related conditions. Advanced modeling of protein sequence and biophysical properties (such as structural, functional, and spatial information, amino acid conservation, physicochemical variation, residue mobility, and thermodynamic stability) performed at Invitae indicates that this missense variant is expected to disrupt PIK3R2 protein function. In summary, the available evidence is currently insufficient to determine the role of this variant in disease. Therefore, it has been classified as a Variant of Uncertain Significance.